The following is an entry in ClinVar:

ClinVar aggregate classification (germline): Conflicting classifications of pathogenicity. Review status: criteria provided, conflicting classifications (1 of 4 stars). 2 submissions from 2 submitters: Uncertain significance (1); Likely benign (1). Last evaluated 2024-04-23.

Conditions:
A2ML1-related disorder. Also called: A2ML1-related condition.

Allele frequency attached by ClinVar (database versions not stated): gnomAD 0.00001 and 0.00002; gnomAD exomes 0.00002 and 0.00004; TOPMed 0.00002; 1000 Genomes Project 30x 0.00016.
gnomAD v4.1: 59 of 1,613,100 alleles (0.0037%); highest among the groups gnomAD compares: Admixed American, 0.0067%; no homozygotes.

Submissions (2):

Labcorp Genetics (formerly Invitae), Labcorp
Classification: Likely benign. Last evaluated: 2024-04-23. Review status: criteria provided, single submitter. Criteria: Invitae Variant Classification Sherloc (09022015). Collection method: clinical testing. Allele origin: germline.

PreventionGenetics, part of Exact Sciences
Classification: Uncertain significance for A2ML1-related condition. Last evaluated: 2023-03-22. Review status: criteria provided, single submitter. Criteria: ACMG Guidelines, 2015. Collection method: clinical testing. Allele origin: germline.
Comment: The A2ML1 c.2913C>T variant is not predicted to result in an amino acid change (p.=). This variant is predicted to create a cryptic splice site based on available splicing prediction programs (Alamut Visual Plus v1.6.1). however, such computer prediction programs are imperfect. To our knowledge, this variant has not been reported in the literature. This variant is reported in 0.0087% of alleles in individuals of Latino descent in gnomAD. At this time, the clinical significance of this variant is uncertain due to the absence of conclusive functional and genetic evidence.

NM_144670.6(A2ML1):c.2913C>T (p.Gly971=)

Gene: A2ML1 (alpha-2-macroglobulin like 1; plus strand). Cytogenetic location: 12p13.31.
Variant type: single nucleotide variant.
Coding change: c.2913C>T on transcript NM_144670.6 (MANE Select); coding-DNA position 2913, C replaced by T.
Protein change: p.Gly971=; no amino-acid change (glycine 971 retained).
Molecular consequence: synonymous variant.
Genome position (GRCh38, 1-based): chr12:8,857,228, C>T. VCF-style: chr12-8857228-C-T. GRCh37 (hg19) VCF-style: chr12-9009824-C-T.
Other names: c.1440C>T, p.Gly480= (NM_001282424.3); c.2913C>T (NM_144670.5).
Identifiers: ClinVar variation 643930 (VCV000643930.9), dbSNP rs778857180, ClinGen allele CA6436201.
Genomic context (GRCh38, chr12:8,857,228, plus strand): 5'-CATTATGGGCACAGCCCTGCAGAACCTGGATGGTCTGGTGCAGATGCCCAGTGGCTGTGG[C>T]GAGCAGAACATGGTCTTGTTTGCTCCCATCATCTATGTCTTGCAGTACCTGGAGAAGGCA-3'
Protein context (NP_653271.3, residues 961-981): DGLVQMPSGC[Gly971=]EQNMVLFAPI